The following is an entry in ClinVar:

ClinVar aggregate classification (germline): Uncertain significance (1 of 4 stars; one submission).

gnomAD v4.1: 22 of 1,614,094 alleles (0.0014%); highest among the groups gnomAD compares: Non-Finnish European, 0.0017%; no homozygotes.

Submission:

Labcorp Genetics (formerly Invitae), Labcorp
Classification: Uncertain significance. Last evaluated: 2025-06-30. Review status: criteria provided, single submitter. Criteria: Invitae Variant Classification Sherloc (09022015). Collection method: clinical testing. Allele origin: germline.
Comment: This sequence change replaces serine, which is neutral and polar, with phenylalanine, which is neutral and non-polar, at codon 165 of the DDX59 protein (p.Ser165Phe). This variant is present in population databases (rs746917076, gnomAD 0.005%). This variant has not been reported in the literature in individuals affected with DDX59-related conditions. Invitae Evidence Modeling of protein sequence and biophysical properties (such as structural, functional, and spatial information, amino acid conservation, physicochemical variation, residue mobility, and thermodynamic stability) indicates that this missense variant is not expected to disrupt DDX59 protein function with a negative predictive value of 80%. In summary, the available evidence is currently insufficient to determine the role of this variant in disease. Therefore, it has been classified as a Variant of Uncertain Significance.

NM_001031725.6(DDX59):c.494C>T (p.Ser165Phe)

Gene: DDX59 (DEAD-box helicase 59; minus strand). Cytogenetic location: 1q32.1.
Variant type: single nucleotide variant.
Coding change: c.494C>T on transcript NM_001031725.6 (MANE Select); coding-DNA position 494, C replaced by T.
Protein change: p.Ser165Phe; replaces serine 165 with phenylalanine.
Molecular consequence: missense variant.
Genome position (GRCh38, 1-based): chr1:200,666,247, G>A on the plus strand (C>T on the coding strand, the complement: DDX59 is on the minus strand). VCF-style: chr1-200666247-G-A. GRCh37 (hg19) VCF-style: chr1-200635375-G-A.
Other names: c.494C>T, p.Ser165Phe (NM_001320181.2, NM_001320182.1, NM_001349799.3 and 5 more transcripts); short protein forms S165F.
Identifiers: ClinVar variation 4751905 (VCV004751905.1).
Genomic context (GRCh38, chr1:200,666,247, plus strand): 5'-AGATTTTCAATCTGGTCTTCCTGAAGGTTCAAAATAAAGGGGTGCTCTTTGTAGACATAG[G>A]AAGCATTCAGTGGAGACTCTGGCTCAGAATCAGCCTTCTGTGGATTGCTGAGTTTTGATT-3'
Protein context (NP_001026895.2, residues 155-175): DSEPESPLNA[Ser165Phe]YVYKEHPFIL